The following is an entry in ClinVar:

ClinVar aggregate classification (germline): Uncertain significance (1 of 4 stars; one submission).

Conditions:
Facioscapulohumeral muscular dystrophy 2 (FSHD2). Also called: MUSCULAR DYSTROPHY, FACIOSCAPULOHUMERAL, TYPE 1B; FACIOSCAPULOHUMERAL MUSCULAR DYSTROPHY 2, DIGENIC; FSHD2, DIGENIC. Identifiers: Orphanet 269, MedGen C1834671, MONDO:0008031, OMIM 158901.

Submission:

Labcorp Genetics (formerly Invitae), Labcorp
Classification: Uncertain significance for Facioscapulohumeral muscular dystrophy 2. Last evaluated: 2024-06-19. Review status: criteria provided, single submitter. Criteria: Invitae Variant Classification Sherloc (09022015). Collection method: clinical testing. Allele origin: germline.
Comment: This sequence change replaces lysine, which is basic and polar, with arginine, which is basic and polar, at codon 791 of the SMCHD1 protein (p.Lys791Arg). This variant is present in population databases (rs755956027, gnomAD 0.006%). This variant has not been reported in the literature in individuals affected with SMCHD1-related conditions. Advanced modeling of protein sequence and biophysical properties (such as structural, functional, and spatial information, amino acid conservation, physicochemical variation, residue mobility, and thermodynamic stability) performed at Invitae indicates that this missense variant is not expected to disrupt SMCHD1 protein function with a negative predictive value of 80%. In summary, the available evidence is currently insufficient to determine the role of this variant in disease. Therefore, it has been classified as a Variant of Uncertain Significance.

NM_015295.3(SMCHD1):c.2372A>G (p.Lys791Arg)

Gene: SMCHD1 (structural maintenance of chromosomes flexible hinge domain containing 1; plus strand). Cytogenetic location: 18p11.32.
Variant type: single nucleotide variant.
Coding change: c.2372A>G on transcript NM_015295.3 (MANE Select); coding-DNA position 2372, A replaced by G.
Protein change: p.Lys791Arg; replaces lysine 791 with arginine.
Molecular consequence: missense variant.
Genome position (GRCh38, 1-based): chr18:2,718,348, A>G. VCF-style: chr18-2718348-A-G. GRCh37 (hg19) VCF-style: chr18-2718346-A-G.
Other names: short protein forms K791R.
Identifiers: ClinVar variation 3653356 (VCV003653356.2).